The following is an entry in ClinVar:

ClinVar aggregate classification (germline): Uncertain significance (1 of 4 stars; one submission).

Allele frequency attached by ClinVar (database versions not stated): TOPMed below 0.00001; gnomAD 0.00001; gnomAD exomes 0.00001; ExAC 0.00003.
gnomAD v4.1: 11 of 1,613,858 alleles (0.00068%); highest among the groups gnomAD compares: South Asian, 0.0022%; no homozygotes.

Submission:

Labcorp Genetics (formerly Invitae), Labcorp
Classification: Uncertain significance. Last evaluated: 2025-10-04. Review status: criteria provided, single submitter. Criteria: Invitae Variant Classification Sherloc (09022015). Collection method: clinical testing. Allele origin: germline.
Comment: This sequence change replaces arginine, which is basic and polar, with cysteine, which is neutral and slightly polar, at codon 95 of the NDUFA9 protein (p.Arg95Cys). This variant is present in population databases (rs771679812, gnomAD 0.006%). This variant has not been reported in the literature in individuals affected with NDUFA9-related conditions. ClinVar contains an entry for this variant (Variation ID: 2156869). An algorithm developed to predict the effect of missense changes on protein structure and function (PolyPhen-2) suggests that this variant is likely to be tolerated. In summary, the available evidence is currently insufficient to determine the role of this variant in disease. Therefore, it has been classified as a Variant of Uncertain Significance.

NM_005002.5(NDUFA9):c.283C>T (p.Arg95Cys)

Gene: NDUFA9 (NADH:ubiquinone oxidoreductase subunit A9; plus strand). Cytogenetic location: 12p13.32.
Variant type: single nucleotide variant.
Coding change: c.283C>T on transcript NM_005002.5 (MANE Select); coding-DNA position 283, C replaced by T.
Protein change: p.Arg95Cys; replaces arginine 95 with cysteine.
Molecular consequence: missense variant.
Genome position (GRCh38, 1-based): chr12:4,654,887, C>T. VCF-style: chr12-4654887-C-T. GRCh37 (hg19) VCF-style: chr12-4764053-C-T.
Other names: short protein forms R95C.
Identifiers: ClinVar variation 2156869 (VCV002156869.4), dbSNP rs771679812, ClinGen allele CA6398041.